The following is an entry in ClinVar:

NM_001134665.3(TRMT10A):c.946C>G (p.Leu316Val)

Gene: TRMT10A (tRNA methyltransferase 10A; minus strand). Cytogenetic location: 4q23.
Variant type: single nucleotide variant.
Coding change: c.946C>G on transcript NM_001134665.3 (MANE Select); coding-DNA position 946, C replaced by G.
Protein change: p.Leu316Val; replaces leucine 316 with valine.
Molecular consequence: missense variant.
Genome position (GRCh38, 1-based): chr4:99,549,162, G>C on the plus strand (C>G on the coding strand, the complement: TRMT10A is on the minus strand). VCF-style: chr4-99549162-G-C. GRCh37 (hg19) VCF-style: chr4-100470319-G-C.
Other names: c.946C>G, p.Leu316Val (NM_001134666.3, NM_001375880.1, NM_001375881.1 and 1 more transcripts); c.925C>G, p.Leu309Val (NM_001375882.1); short protein forms L309V, L316V.
Identifiers: ClinVar variation 1931105 (VCV001931105.5), dbSNP rs747312114, ClinGen allele CA3021388.

ClinVar aggregate classification (germline): Uncertain significance (1 of 4 stars; one submission).

Allele frequency attached by ClinVar (database versions not stated): ExAC 0.00001.
gnomAD v4.1: 3 of 1,614,022 alleles (0.00019%); highest among the groups gnomAD compares: South Asian, 0.0033%; no homozygotes.

Submission:

Labcorp Genetics (formerly Invitae), Labcorp
Classification: Uncertain significance. Last evaluated: 2022-03-18. Review status: criteria provided, single submitter. Criteria: Invitae Variant Classification Sherloc (09022015). Collection method: clinical testing. Allele origin: germline.
Comment: This sequence change replaces leucine, which is neutral and non-polar, with valine, which is neutral and non-polar, at codon 316 of the TRMT10A protein (p.Leu316Val). In summary, the available evidence is currently insufficient to determine the role of this variant in disease. Therefore, it has been classified as a Variant of Uncertain Significance. Algorithms developed to predict the effect of missense changes on protein structure and function (SIFT, PolyPhen-2, Align-GVGD) all suggest that this variant is likely to be tolerated. This variant has not been reported in the literature in individuals affected with TRMT10A-related conditions. This variant is present in population databases (rs747312114, gnomAD 0.01%).